The following is an entry in ClinVar:

NM_002439.5(MSH3):c.1829A>G (p.Gln610Arg)

Gene: MSH3 (mutS homolog 3; plus strand). Cytogenetic location: 5q14.1.
Variant type: single nucleotide variant.
Coding change: c.1829A>G on transcript NM_002439.5 (MANE Select); coding-DNA position 1829, A replaced by G.
Protein change: p.Gln610Arg; replaces glutamine 610 with arginine.
Molecular consequence: missense variant.
Genome position (GRCh38, 1-based): chr5:80,761,611, A>G. VCF-style: chr5-80761611-A-G. GRCh37 (hg19) VCF-style: chr5-80057430-A-G.
Other names: short protein forms Q610R.
Identifiers: ClinVar variation 1502128 (VCV001502128.6), dbSNP rs2112879955, ClinGen allele CA360276600.

ClinVar aggregate classification (germline): Uncertain significance (1 of 4 stars; one submission).

Submission:

Labcorp Genetics (formerly Invitae), Labcorp
Classification: Uncertain significance. Last evaluated: 2024-10-07. Review status: criteria provided, single submitter. Criteria: Invitae Variant Classification Sherloc (09022015). Collection method: clinical testing. Allele origin: germline.
Comment: This sequence change replaces glutamine, which is neutral and polar, with arginine, which is basic and polar, at codon 610 of the MSH3 protein (p.Gln610Arg). This variant is not present in population databases (gnomAD no frequency). This variant has not been reported in the literature in individuals affected with MSH3-related conditions. ClinVar contains an entry for this variant (Variation ID: 1502128). An algorithm developed to predict the effect of missense changes on protein structure and function (PolyPhen-2) suggests that this variant is likely to be tolerated. In summary, the available evidence is currently insufficient to determine the role of this variant in disease. Therefore, it has been classified as a Variant of Uncertain Significance.